The following is an entry in ClinVar:

NM_002334.4(LRP4):c.4702T>G (p.Trp1568Gly)

Genes: LRP4 (LDL receptor related protein 4; minus strand), LRP4-AS1 (LRP4 antisense RNA 1; plus strand). Cytogenetic location: 11p11.2.
Variant type: single nucleotide variant.
Coding change: c.4702T>G on transcript NM_002334.4 (MANE Select); coding-DNA position 4702, T replaced by G.
Protein change: p.Trp1568Gly; replaces tryptophan 1568 with glycine.
Molecular consequence: missense variant.
Genome position (GRCh38, 1-based): chr11:46,869,123, A>C on the plus strand (T>G on the coding strand, the complement: LRP4 is on the minus strand). VCF-style: chr11-46869123-A-C. GRCh37 (hg19) VCF-style: chr11-46890674-A-C.
Other names: short protein forms W1568G.
Identifiers: ClinVar variation 1403544 (VCV001403544.6), dbSNP rs2134778108, ClinGen allele CA380264409.
Genomic context (GRCh38, chr11:46,869,123, plus strand): 5'-GGCCTGAGTATTTGTCAACACGCTGGATTGACTTGGTCTGCCAGTCTGTCCAGTAGATCC[A>C]CCTGTCTTGCTACTCAACAGGGGAAGCCCAAAAACAGTAAATATTATTCAGCAAGCAGAC-3'
Protein context (NP_002325.2, residues 1558-1578): HPFALTQQDR[Trp1568Gly]IYWTDWQTKS

ClinVar aggregate classification (germline): Uncertain significance (1 of 4 stars; one submission).

Conditions:
Cenani-Lenz syndactyly syndrome. Also called: CENANI SYNDACTYLISM; SYNDACTYLY, TYPE VII. Identifiers: Orphanet 3258, MedGen C1859309, MONDO:0008931, OMIM 212780.
Sclerosteosis 2 (SOST2). Identifiers: Orphanet 3152, MedGen C3280402, MONDO:0013679, OMIM 614305.
Congenital myasthenic syndrome 17. Identifiers: Orphanet 590, MedGen C4225377, MONDO:0014578, OMIM 616304.

Submission:

Labcorp Genetics (formerly Invitae), Labcorp
Classification: Uncertain significance for Cenani-Lenz syndactyly syndrome; Sclerosteosis 2; Congenital myasthenic syndrome 17. Last evaluated: 2021-07-28. Review status: criteria provided, single submitter. Criteria: Invitae Variant Classification Sherloc (09022015). Collection method: clinical testing. Allele origin: germline.
Comment: In summary, the available evidence is currently insufficient to determine the role of this variant in disease. Therefore, it has been classified as a Variant of Uncertain Significance. Algorithms developed to predict the effect of missense changes on protein structure and function (SIFT, PolyPhen-2, Align-GVGD) all suggest that this variant is likely to be disruptive. This variant has not been reported in the literature in individuals affected with LRP4-related conditions. This variant is not present in population databases (ExAC no frequency). This sequence change replaces tryptophan with glycine at codon 1568 of the LRP4 protein (p.Trp1568Gly). The tryptophan residue is highly conserved and there is a large physicochemical difference between tryptophan and glycine.